The following is an entry in ClinVar:

ClinVar aggregate classification (germline): Uncertain significance (1 of 4 stars; one submission).

Allele frequency attached by ClinVar (database versions not stated): gnomAD 0.00001; TOPMed 0.00001.
gnomAD v4.1: 6 of 1,614,148 alleles (0.00037%); highest among the groups gnomAD compares: Admixed American, 0.0033%; no homozygotes.

Submission:

Labcorp Genetics (formerly Invitae), Labcorp
Classification: Uncertain significance. Last evaluated: 2026-01-26. Review status: criteria provided, single submitter. Criteria: Invitae Variant Classification Sherloc (09022015). Collection method: clinical testing. Allele origin: germline.
Comment: This sequence change replaces tryptophan, which is neutral and slightly polar, with leucine, which is neutral and non-polar, at codon 351 of the NLRP1 protein (p.Trp351Leu). This variant is not present in population databases (gnomAD no frequency). This variant has not been reported in the literature in individuals affected with NLRP1-related conditions. ClinVar contains an entry for this variant (Variation ID: 1931107). An algorithm developed to predict the effect of missense changes on protein structure and function (PolyPhen-2) suggests that this variant is likely to be disruptive. In summary, the available evidence is currently insufficient to determine the role of this variant in disease. Therefore, it has been classified as a Variant of Uncertain Significance.

NM_033004.4(NLRP1):c.1052G>T (p.Trp351Leu)

Gene: NLRP1 (NLR family pyrin domain containing 1; minus strand). Cytogenetic location: 17p13.2.
Variant type: single nucleotide variant.
Coding change: c.1052G>T on transcript NM_033004.4 (MANE Select); coding-DNA position 1052, G replaced by T.
Protein change: p.Trp351Leu; replaces tryptophan 351 with leucine.
Molecular consequence: missense variant.
Genome position (GRCh38, 1-based): chr17:5,559,644, C>A on the plus strand (G>T on the coding strand, the complement: NLRP1 is on the minus strand). VCF-style: chr17-5559644-C-A. GRCh37 (hg19) VCF-style: chr17-5462964-C-A.
Other names: c.1052G>T, p.Trp351Leu (NM_001033053.3, NM_014922.5, NM_033006.4 and 1 more transcripts); short protein forms W351L.
Identifiers: ClinVar variation 1931107 (VCV001931107.5), dbSNP rs1034576250, ClinGen allele CA287268810.